The following is an entry in ClinVar:

ClinVar aggregate classification (germline): Uncertain significance (1 of 4 stars; one submission).

Conditions:
Sclerosteosis 2 (SOST2). Identifiers: Orphanet 3152, MedGen C3280402, MONDO:0013679, OMIM 614305.
Cenani-Lenz syndactyly syndrome. Also called: SYNDACTYLY, TYPE VII; CENANI SYNDACTYLISM. Identifiers: Orphanet 3258, MedGen C1859309, MONDO:0008931, OMIM 212780.
Congenital myasthenic syndrome 17. Identifiers: Orphanet 590, MedGen C4225377, MONDO:0014578, OMIM 616304.

Submission:

Labcorp Genetics (formerly Invitae), Labcorp
Classification: Uncertain significance for Cenani-Lenz syndactyly syndrome; Sclerosteosis 2; Congenital myasthenic syndrome 17. Last evaluated: 2021-10-14. Review status: criteria provided, single submitter. Criteria: Invitae Variant Classification Sherloc (09022015). Collection method: clinical testing. Allele origin: germline.
Comment: In summary, the available evidence is currently insufficient to determine the role of this variant in disease. Therefore, it has been classified as a Variant of Uncertain Significance. Algorithms developed to predict the effect of missense changes on protein structure and function are either unavailable or do not agree on the potential impact of this missense change (SIFT: "Deleterious"; PolyPhen-2: "Benign"; Align-GVGD: "Class C0"). This variant has not been reported in the literature in individuals affected with LRP4-related conditions. This variant is not present in population databases (ExAC no frequency). This sequence change replaces aspartic acid with asparagine at codon 104 of the LRP4 protein (p.Asp104Asn). The aspartic acid residue is highly conserved and there is a small physicochemical difference between aspartic acid and asparagine.

NM_002334.4(LRP4):c.310G>A (p.Asp104Asn)

Gene: LRP4 (LDL receptor related protein 4; minus strand). Cytogenetic location: 11p11.2.
Variant type: single nucleotide variant.
Coding change: c.310G>A on transcript NM_002334.4 (MANE Select); coding-DNA position 310, G replaced by A.
Protein change: p.Asp104Asn; replaces aspartic acid 104 with asparagine.
Molecular consequence: missense variant.
Genome position (GRCh38, 1-based): chr11:46,900,268, C>T on the plus strand (G>A on the coding strand, the complement: LRP4 is on the minus strand). VCF-style: chr11-46900268-C-T. GRCh37 (hg19) VCF-style: chr11-46921819-C-T.
Other names: short protein forms D104N.
Identifiers: ClinVar variation 1525176 (VCV001525176.6), dbSNP rs2134865411, ClinGen allele CA380290095.
Genomic context (GRCh38, chr11:46,900,268, plus strand): 5'-ATCCTTTCCCAGTGGAACTCAATGGAGTTCCGCCCAGCCTCTGCCAACACTCACGACAGT[C>T]CTGCTCATCCGAGTCATCCTCACAGTCGTTGTCCCCGTCACACACCCAGGAGCGGCGGAT-3'
Protein context (NP_002325.2, residues 94-114): NDCEDDSDEQ[Asp104Asn]CPPRECEEDE